The following is an entry in ClinVar:

NM_004656.4(BAP1):c.8A>C (p.Lys3Thr)

Gene: BAP1 (BRCA1 associated deubiquitinase 1; minus strand). Cytogenetic location: 3p21.1.
Variant type: single nucleotide variant.
Coding change: c.8A>C on transcript NM_004656.4 (MANE Select); coding-DNA position 8, A replaced by C.
Protein change: p.Lys3Thr; replaces lysine 3 with threonine.
Molecular consequence: missense variant.
Genome position (GRCh38, 1-based): chr3:52,409,871, T>G on the plus strand (A>C on the coding strand, the complement: BAP1 is on the minus strand). VCF-style: chr3-52409871-T-G. GRCh37 (hg19) VCF-style: chr3-52443887-T-G.
Other names: short protein forms K3T.
Identifiers: ClinVar variation 951917 (VCV000951917.7), dbSNP rs1405239413, ClinGen allele CA353115159.

ClinVar aggregate classification (germline): Uncertain significance (1 of 4 stars; one submission).

Conditions:
BAP1-related tumor predisposition syndrome (TPDS1). Also called: COMMON Syndrome; BAP1 tumor predisposition syndrome; Tumor susceptibility linked to germline BAP1 mutations; TUMOR PREDISPOSITION SYNDROME 1. Identifiers: Orphanet 289539, MedGen C3280492, MONDO:0013692, OMIM 614327.

Submission:

Labcorp Genetics (formerly Invitae), Labcorp
Classification: Uncertain significance for BAP1-related tumor predisposition syndrome. Last evaluated: 2019-11-01. Review status: criteria provided, single submitter. Criteria: Invitae Variant Classification Sherloc (09022015). Collection method: clinical testing. Allele origin: germline.
Comment: In summary, the available evidence is currently insufficient to determine the role of this variant in disease. Therefore, it has been classified as a Variant of Uncertain Significance. Algorithms developed to predict the effect of missense changes on protein structure and function are either unavailable or do not agree on the potential impact of this missense change (SIFT: "Tolerated"; PolyPhen-2: "Possibly Damaging"; Align-GVGD: "Class C0"). This variant is not present in population databases (ExAC no frequency). This sequence change replaces lysine with threonine at codon 3 of the BAP1 protein (p.Lys3Thr). The lysine residue is moderately conserved and there is a moderate physicochemical difference between lysine and threonine. This variant has not been reported in the literature in individuals with BAP1-related conditions.